The following is an entry in ClinVar:

NM_004963.4(GUCY2C):c.3184C>A (p.Gln1062Lys)

Genes: GUCY2C (guanylate cyclase 2C; minus strand), PLBD1-AS1 (PLBD1 antisense RNA 1; plus strand). Cytogenetic location: 12p12.3.
Variant type: single nucleotide variant.
Coding change: c.3184C>A on transcript NM_004963.4 (MANE Select); coding-DNA position 3184, C replaced by A.
Protein change: p.Gln1062Lys; replaces glutamine 1062 with lysine.
Molecular consequence: missense variant.
Genome position (GRCh38, 1-based): chr12:14,613,155, G>T on the plus strand (C>A on the coding strand, the complement: GUCY2C is on the minus strand). VCF-style: chr12-14613155-G-T. GRCh37 (hg19) VCF-style: chr12-14766089-G-T.
Other names: c.3184C>A (NM_004963.3); short protein forms Q1062K.
Identifiers: ClinVar variation 3683118 (VCV003683118.3).

ClinVar aggregate classification (germline): Uncertain significance. Review status: criteria provided, multiple submitters, no conflicts (2 of 4 stars). 2 submissions from 2 submitters: Uncertain significance (2). Last evaluated 2025-08-20.

Conditions:
Inborn genetic diseases. Identifiers: MedGen C0950123, MeSH D030342.

gnomAD v4.1: 4 of 1,613,492 alleles (0.00025%); highest among the groups gnomAD compares: Non-Finnish European, 0.00034%; no homozygotes.

Submissions (2):

Ambry Genetics
Classification: Uncertain significance for Inborn genetic diseases. Last evaluated: 2025-08-20. Review status: criteria provided, single submitter. Criteria: Ambry Variant Classification Scheme 2023. Collection method: clinical testing. Allele origin: germline.

Labcorp Genetics (formerly Invitae), Labcorp
Classification: Uncertain significance. Last evaluated: 2024-07-23. Review status: criteria provided, single submitter. Criteria: Invitae Variant Classification Sherloc (09022015). Collection method: clinical testing. Allele origin: germline.
Comment: This sequence change replaces glutamine, which is neutral and polar, with lysine, which is basic and polar, at codon 1062 of the GUCY2C protein (p.Gln1062Lys). This variant is not present in population databases (gnomAD no frequency). This variant has not been reported in the literature in individuals affected with GUCY2C-related conditions. An algorithm developed to predict the effect of missense changes on protein structure and function (PolyPhen-2) suggests that this variant is likely to be disruptive. In summary, the available evidence is currently insufficient to determine the role of this variant in disease. Therefore, it has been classified as a Variant of Uncertain Significance.